The following is an entry in ClinVar:

ClinVar aggregate classification (germline): Uncertain significance. Review status: criteria provided, multiple submitters, no conflicts (2 of 4 stars). 5 submissions from 5 submitters: Uncertain significance (5). Last evaluated 2025-08-20.

Conditions:
Hereditary cancer-predisposing syndrome. Also called: Hereditary neoplastic syndrome; Neoplastic Syndromes, Hereditary; Tumor predisposition; Hereditary Cancer Syndrome. Identifiers: Orphanet 140162, MedGen C0027672, MeSH D009386, MONDO:0015356.
Fanconi anemia complementation group J. Also called: BRIP1-Related Fanconi Anemia. Identifiers: Orphanet 84, MedGen C1836860, MONDO:0012187, OMIM 609054.
Familial cancer of breast. Also called: BREAST CANCER, FAMILIAL; Hereditary breast cancer; hereditary breast carcinoma. Identifiers: Orphanet 227535, MedGen C0346153, MONDO:0016419, OMIM 114480. Disease mechanism: loss of function.

Allele frequency attached by ClinVar (database versions not stated): gnomAD exomes below 0.00001; TOPMed below 0.00001.
gnomAD v4.1: 4 of 1,605,882 alleles (0.00025%); highest among the groups gnomAD compares: Non-Finnish European, 0.00034%; no homozygotes.

Submissions (5):

Ambry Genetics
Classification: Uncertain significance for Hereditary cancer-predisposing syndrome. Last evaluated: 2025-08-20. Review status: criteria provided, single submitter. Criteria: Ambry Variant Classification Scheme 2023. Collection method: clinical testing. Allele origin: germline.
Comment: The p.I489V variant (also known as c.1465A>G), located in coding exon 9 of the BRIP1 gene, results from an A to G substitution at nucleotide position 1465. The isoleucine at codon 489 is replaced by valine, an amino acid with highly similar properties. This amino acid position is not well conserved in available vertebrate species. In addition, this alteration is predicted to be tolerated by in silico analysis. Since supporting evidence is limited at this time, the clinical significance of this alteration remains unclear.

Labcorp Genetics (formerly Invitae), Labcorp
Classification: Uncertain significance for Familial cancer of breast; Fanconi anemia complementation group J. Last evaluated: 2025-06-08. Review status: criteria provided, single submitter. Criteria: Invitae Variant Classification Sherloc (09022015). Collection method: clinical testing. Allele origin: germline.
Comment: This sequence change replaces isoleucine, which is neutral and non-polar, with valine, which is neutral and non-polar, at codon 489 of the BRIP1 protein (p.Ile489Val). This variant is not present in population databases (gnomAD no frequency). This variant has not been reported in the literature in individuals affected with BRIP1-related conditions. ClinVar contains an entry for this variant (Variation ID: 481652). Invitae Evidence Modeling of protein sequence and biophysical properties (such as structural, functional, and spatial information, amino acid conservation, physicochemical variation, residue mobility, and thermodynamic stability) indicates that this missense variant is not expected to disrupt BRIP1 protein function with a negative predictive value of 95%. In summary, the available evidence is currently insufficient to determine the role of this variant in disease. Therefore, it has been classified as a Variant of Uncertain Significance.

Color Diagnostics, LLC DBA Color Health
Classification: Uncertain significance for Hereditary cancer-predisposing syndrome. Last evaluated: 2024-08-12. Review status: criteria provided, single submitter. Criteria: ACMG Guidelines, 2015. Collection method: clinical testing. Allele origin: germline.
Comment: This missense variant replaces isoleucine with valine at codon 489 of the BRIP1 protein. Computational prediction suggests that this variant may not impact protein structure and function (internally defined REVEL score threshold <= 0.5, PMID: 27666373). To our knowledge, functional studies have not been reported for this variant. This variant has not been reported in individuals affected with BRIP1-related disorders in the literature. This variant has not been identified in the general population by the Genome Aggregation Database (gnomAD). The available evidence is insufficient to determine the role of this variant in disease conclusively. Therefore, this variant is classified as a Variant of Uncertain Significance.

GeneDx
Classification: Uncertain significance. Last evaluated: 2023-01-17. Review status: criteria provided, single submitter. Criteria: GeneDx Variant Classification Process June 2021. Collection method: clinical testing. Allele origin: germline. Affected: yes.
Comment: Not observed at significant frequency in large population cohorts (gnomAD); In silico analysis supports that this missense variant does not alter protein structure/function; Has not been previously published as pathogenic or benign to our knowledge

Women's Health and Genetics/Laboratory Corporation of America, LabCorp
Classification: Uncertain significance. Last evaluated: 2018-07-31. Review status: criteria provided, single submitter. Criteria: LabCorp Variant Classification Summary - May 2015. Collection method: clinical testing. Allele origin: germline.
Comment: Variant summary: BRIP1 c.1465A>G (p.Ile489Val) results in a conservative amino acid change in the encoded protein sequence. Five of five in-silico tools predict a benign effect of the variant on protein function. The variant was absent in 236224 control chromosomes (gnomAD). The available data on variant occurrences in the general population are insufficient to allow any conclusion about variant significance. To our knowledge, no occurrence of c.1465A>G in individuals affected with Hereditary Breast and Ovarian Cancer and no experimental evidence demonstrating its impact on protein function have been reported. A ClinVar submission from a clinical diagnostic laboratory (evaluation after 2014) cites the variant as "uncertain significance." Based on the evidence outlined above, the variant was classified as uncertain significance.

NM_032043.3(BRIP1):c.1465A>G (p.Ile489Val)

Gene: BRIP1 (BRCA1 interacting DNA helicase 1; minus strand). Cytogenetic location: 17q23.2.
Variant type: single nucleotide variant.
Coding change: c.1465A>G on transcript NM_032043.3 (MANE Select); coding-DNA position 1465, A replaced by G.
Protein change: p.Ile489Val; replaces isoleucine 489 with valine.
Molecular consequence: missense variant.
Genome position (GRCh38, 1-based): chr17:61,793,605, T>C on the plus strand (A>G on the coding strand, the complement: BRIP1 is on the minus strand). VCF-style: chr17-61793605-T-C. GRCh37 (hg19) VCF-style: chr17-59870966-T-C.
Other names: short protein forms I489V.
Identifiers: ClinVar variation 481652 (VCV000481652.20), dbSNP rs1555605855, ClinGen allele CA400482048.